The following is an entry in ClinVar:

ClinVar aggregate classification (germline): Likely pathogenic (1 of 4 stars; one submission).

Conditions:
Hermansky-Pudlak syndrome 3 (HPS3). Identifiers: Orphanet 231512, Orphanet 79430, MedGen C3888001, MONDO:0013555, OMIM 614072.

Submission:

Myriad Genetics, Inc.
Classification: Likely pathogenic for Hermansky-Pudlak syndrome 3. Last evaluated: 2022-01-08. Review status: criteria provided, single submitter. Criteria: Myriad Women's Health Autosomal Recessive and X-Linked Classification Criteria (2021). Collection method: clinical testing. Allele origin: unknown.
Comment: NM_032383.3(HPS3):c.2737G>T(E913*) is expected to be pathogenic in the context of Hermansky-Pudlak syndrome type 3. This variant is predicted to lead to an abnormal or absent protein product due to the creation of a premature termination codon in HPS3, a gene where loss-of-function variants are known to be pathogenic. Please note: this variant was assessed in the context of healthy population screening.

NM_032383.5(HPS3):c.2737G>T (p.Glu913Ter)

Genes: CP (ceruloplasmin; minus strand), HPS3 (HPS3 biogenesis of lysosomal organelles complex 2 subunit 1; plus strand). Cytogenetic location: 3q24.
Variant type: single nucleotide variant.
Coding change: c.2737G>T on transcript NM_032383.5 (MANE Select); coding-DNA position 2737, G replaced by T.
Protein change: p.Glu913Ter; replaces glutamic acid 913 with a stop codon.
Molecular consequence: nonsense.
Genome position (GRCh38, 1-based): chr3:149,167,181, G>T. VCF-style: chr3-149167181-G-T. GRCh37 (hg19) VCF-style: chr3-148884968-G-T.
Other names: c.2242G>T, p.Glu748Ter (NM_001308258.2); short protein forms E748*, E913*.
Identifiers: ClinVar variation 1723914 (VCV001723914.2), dbSNP rs2472688962, ClinGen allele CA354925866.
Genomic context (GRCh38, chr3:149,167,181, plus strand): 5'-GTCCATGTTCTGTGTCGTACACGCTTGAAAGAGTATGAACAGTGCATAGACATACTGTTA[G>T]AGAGATGCCCGGAGGCAGTCATTCCATATGCTAATCATGAACTGAAAGAAGAGAACCGGG-3'